The following is an entry in ClinVar:

ClinVar aggregate classification (germline): Uncertain significance. Review status: criteria provided, multiple submitters, no conflicts (2 of 4 stars). 2 submissions from 2 submitters: Uncertain significance (2). Last evaluated 2025-07-25.

Conditions:
Inborn genetic diseases. Identifiers: MedGen C0950123, MeSH D030342.
Fanconi anemia (FA). Also called: Fanconi's anemia. Identifiers: Orphanet 84, MedGen C0015625, MeSH D005199, MONDO:0019391.

Allele frequency attached by ClinVar (database versions not stated): ExAC 0.00001.
gnomAD v4.1: 5 of 1,614,132 alleles (0.00031%); highest among the groups gnomAD compares: Admixed American, 0.0017%; no homozygotes.

Submissions (2):

Ambry Genetics
Classification: Uncertain significance for Inborn genetic diseases. Last evaluated: 2025-07-25. Review status: criteria provided, single submitter. Criteria: Ambry Variant Classification Scheme 2023. Collection method: clinical testing. Allele origin: germline.
Comment: The p.R1073K variant (also known as c.3218G>A), located in coding exon 32 of the FANCA gene, results from a G to A substitution at nucleotide position 3218. The arginine at codon 1073 is replaced by lysine, an amino acid with highly similar properties. This amino acid position is conserved. In addition, this alteration is predicted to be tolerated by in silico analysis. Based on the available evidence, the clinical significance of this variant remains unclear.

Labcorp Genetics (formerly Invitae), Labcorp
Classification: Uncertain significance for Fanconi anemia. Last evaluated: 2022-12-02. Review status: criteria provided, single submitter. Criteria: Invitae Variant Classification Sherloc (09022015). Collection method: clinical testing. Allele origin: germline.
Comment: Advanced modeling of protein sequence and biophysical properties (such as structural, functional, and spatial information, amino acid conservation, physicochemical variation, residue mobility, and thermodynamic stability) performed at Invitae indicates that this missense variant is not expected to disrupt FANCA protein function. This variant has not been reported in the literature in individuals affected with FANCA-related conditions. This variant is present in population databases (rs781687063, gnomAD 0.003%). This sequence change replaces arginine, which is basic and polar, with lysine, which is basic and polar, at codon 1073 of the FANCA protein (p.Arg1073Lys). In summary, the available evidence is currently insufficient to determine the role of this variant in disease. Therefore, it has been classified as a Variant of Uncertain Significance.

NM_000135.4(FANCA):c.3218G>A (p.Arg1073Lys)

Gene: FANCA (FA complementation group A; minus strand). Cytogenetic location: 16q24.3.
Variant type: single nucleotide variant.
Coding change: c.3218G>A on transcript NM_000135.4 (MANE Select); coding-DNA position 3218, G replaced by A.
Protein change: p.Arg1073Lys; replaces arginine 1073 with lysine.
Molecular consequence: missense variant.
Genome position (GRCh38, 1-based): chr16:89,749,751, C>T on the plus strand (G>A on the coding strand, the complement: FANCA is on the minus strand). VCF-style: chr16-89749751-C-T. GRCh37 (hg19) VCF-style: chr16-89816159-C-T.
Other names: c.3218G>A, p.Arg1073Lys (NM_001286167.3); short protein forms R1073K.
Identifiers: ClinVar variation 2167500 (VCV002167500.5), dbSNP rs781687063, ClinGen allele CA8251296.